The following is an entry in ClinVar:

ClinVar aggregate classification (germline): Uncertain significance. Review status: criteria provided, multiple submitters, no conflicts (2 of 4 stars). 5 submissions from 5 submitters: Uncertain significance (5). Last evaluated 2025-08-31.

Conditions:
Autosomal recessive limb-girdle muscular dystrophy type 2Q (LGMDR17). Also called: MUSCULAR DYSTROPHY, LIMB-GIRDLE, AUTOSOMAL RECESSIVE 17. Identifiers: Orphanet 254361, MedGen C3150989, MONDO:0013390, OMIM 613723.
Epidermolysis bullosa simplex 5C, with pyloric atresia (EBS5C). Also called: PLEC1-Related Epidermolysis Bullosa with Pyloric Atresia; PLEC-Related Epidermolysis Bullosa with Pyloric Atresia; Epidermolysis bullosa simplex with pyloric atresia. Identifiers: Orphanet 158684, MedGen C2677349, MONDO:0012807, OMIM 612138.
Epidermolysis bullosa simplex with nail dystrophy (EBS5D). Identifiers: MedGen C4225309, MONDO:0014661, OMIM 616487.
Epidermolysis bullosa simplex, Ogna type (EBS5A). Also called: Pidermolysis bullosa simplex 5A, Ogna type; EPIDERMOLYSIS BULLOSA SIMPLEX 5A, OGNA TYPE. Identifiers: Orphanet 79401, MedGen C0432317, MONDO:0007555, OMIM 131950.
Epidermolysis bullosa simplex 5B, with muscular dystrophy (EBS5B). Also called: Epidermolysis bullosa simplex with muscular dystrophy; EPIDERMOLYSIS BULLOSA SIMPLEX AND LIMB-GIRDLE MUSCULAR DYSTROPHY. Identifiers: Orphanet 257, MedGen C2931072, MONDO:0009181, OMIM 226670.
PLEC-related disorder. Also called: PLEC-related disorders; PLEC-related condition.
Inborn genetic diseases. Identifiers: MedGen C0950123, MeSH D030342.

Allele frequency attached by ClinVar (database versions not stated): gnomAD exomes below 0.00001 and 0.00001; ExAC 0.00001; gnomAD 0.00002; TOPMed 0.00002; ESP Exome Variant Server 0.00008.
gnomAD v4.1: 8 of 1,613,530 alleles (0.0005%); highest among the groups gnomAD compares: Admixed American, 0.0017%; no homozygotes.

Submissions (5):

Ambry Genetics
Classification: Uncertain significance for Inborn genetic diseases. Last evaluated: 2025-08-31. Review status: criteria provided, single submitter. Criteria: Ambry Variant Classification Scheme 2023. Collection method: clinical testing. Allele origin: germline.

Blueprint Genetics
Classification: Uncertain significance. Last evaluated: 2024-09-09. Review status: criteria provided, single submitter. Criteria: ACMG Guidelines, 2015. Collection method: clinical testing. Allele origin: germline.

Labcorp Genetics (formerly Invitae), Labcorp
Classification: Uncertain significance for Autosomal recessive limb-girdle muscular dystrophy type 2Q; Epidermolysis bullosa simplex, Ogna type; Epidermolysis bullosa simplex with nail dystrophy; Epidermolysis bullosa simplex 5C, with pyloric atresia; Epidermolysis bullosa simplex 5B, with muscular dystrophy. Last evaluated: 2024-01-15. Review status: criteria provided, single submitter. Criteria: Invitae Variant Classification Sherloc (09022015). Collection method: clinical testing. Allele origin: germline.
Comment: This sequence change replaces arginine, which is basic and polar, with cysteine, which is neutral and slightly polar, at codon 2850 of the PLEC protein (p.Arg2850Cys). This variant is present in population databases (rs370334846, gnomAD 0.0009%). This variant has not been reported in the literature in individuals affected with PLEC-related conditions. ClinVar contains an entry for this variant (Variation ID: 392301). Advanced modeling of protein sequence and biophysical properties (such as structural, functional, and spatial information, amino acid conservation, physicochemical variation, residue mobility, and thermodynamic stability) performed at Invitae indicates that this missense variant is not expected to disrupt PLEC protein function with a negative predictive value of 80%. In summary, the available evidence is currently insufficient to determine the role of this variant in disease. Therefore, it has been classified as a Variant of Uncertain Significance.

PreventionGenetics, part of Exact Sciences
Classification: Uncertain significance for PLEC-related condition. Last evaluated: 2022-09-06. Review status: criteria provided, single submitter. Criteria: ACMG Guidelines, 2015. Collection method: clinical testing. Allele origin: germline.
Comment: The PLEC c.8548C>T variant is predicted to result in the amino acid substitution p.Arg2850Cys. To our knowledge, this variant has not been reported in the literature. This variant is reported in 0.00089% of alleles in individuals of European (Non-Finnish) descent in gnomAD. At this time, the clinical significance of this variant is uncertain due to the absence of conclusive functional and genetic evidence.

GeneDx
Classification: Uncertain significance. Last evaluated: 2017-01-17. Review status: criteria provided, single submitter. Criteria: GeneDx Variant Classification (06012015). Collection method: clinical testing. Allele origin: germline. Affected: yes.
Comment: The R2850C variant in the PLEC gene has not been reported previously as a pathogenic variant, nor as a benign variant, to our knowledge. The R2850C variant was not observed at any significant frequency in approximately 6,100 individuals of European and African American ancestry in the NHLBI Exome Sequencing Project, indicating it is not a common benign variant in these populations. The R2850C variant is a non-conservative amino acid substitution, which is likely to impact secondary protein structure as these residues differ in polarity, charge, size and/or other properties. This substitution occurs at a position that is conserved across species. In silico analysis predicts this variant is probably damaging to the protein structure/function. We interpret R2850C as a variant of uncertain significance.

NM_201384.3(PLEC):c.8467C>T (p.Arg2823Cys)

Gene: PLEC (plectin; minus strand). Cytogenetic location: 8q24.3.
Variant type: single nucleotide variant.
Coding change: c.8467C>T on transcript NM_201384.3 (MANE Select); coding-DNA position 8467, C replaced by T.
Protein change: p.Arg2823Cys; replaces arginine 2823 with cysteine.
Molecular consequence: missense variant.
Genome position (GRCh38, 1-based): chr8:143,921,354, G>A on the plus strand (C>T on the coding strand, the complement: PLEC is on the minus strand). VCF-style: chr8-143921354-G-A. GRCh37 (hg19) VCF-style: chr8-144995522-G-A.
Other names: c.8548C>T, p.Arg2850Cys (NM_000445.5); c.8425C>T, p.Arg2809Cys (NM_201378.4); c.8401C>T, p.Arg2801Cys (NM_201379.3); c.8878C>T, p.Arg2960Cys (NM_201380.4); c.8371C>T, p.Arg2791Cys (NM_201381.3); c.8467C>T, p.Arg2823Cys (NM_201382.4); c.8479C>T, p.Arg2827Cys (NM_201383.3); c.8548C>T (NM_000445.4); short protein forms R2791C, R2801C, R2809C, R2823C, R2827C, R2850C, R2960C.
Identifiers: ClinVar variation 392301 (VCV000392301.12), dbSNP rs370334846, ClinGen allele CA4925302.